The following is an entry in ClinVar:

ClinVar aggregate classification (germline): Uncertain significance (1 of 4 stars; one submission).

Submission:

Labcorp Genetics (formerly Invitae), Labcorp
Classification: Uncertain significance. Last evaluated: 2022-07-15. Review status: criteria provided, single submitter. Criteria: Invitae Variant Classification Sherloc (09022015). Collection method: clinical testing. Allele origin: germline.
Comment: This sequence change replaces isoleucine, which is neutral and non-polar, with valine, which is neutral and non-polar, at codon 1266 of the ASXL2 protein (p.Ile1266Val). This variant is not present in population databases (gnomAD no frequency). This variant has not been reported in the literature in individuals affected with ASXL2-related conditions. Algorithms developed to predict the effect of missense changes on protein structure and function are either unavailable or do not agree on the potential impact of this missense change (SIFT: "Tolerated"; PolyPhen-2: "Not Available"; Align-GVGD: "Class C0"). In summary, the available evidence is currently insufficient to determine the role of this variant in disease. Therefore, it has been classified as a Variant of Uncertain Significance.

NM_018263.6(ASXL2):c.3796A>G (p.Ile1266Val)

Gene: ASXL2 (ASXL transcriptional regulator 2; minus strand). Cytogenetic location: 2p23.3.
Variant type: single nucleotide variant.
Coding change: c.3796A>G on transcript NM_018263.6 (MANE Select); coding-DNA position 3796, A replaced by G.
Protein change: p.Ile1266Val; replaces isoleucine 1266 with valine.
Molecular consequence: missense variant.
Genome position (GRCh38, 1-based): chr2:25,742,541, T>C on the plus strand (A>G on the coding strand, the complement: ASXL2 is on the minus strand). VCF-style: chr2-25742541-T-C. GRCh37 (hg19) VCF-style: chr2-25965410-T-C.
Other names: c.3622A>G, p.Ile1208Val (NM_001369346.1); c.3016A>G, p.Ile1006Val (NM_001369347.1); short protein forms I1006V, I1208V, I1266V.
Identifiers: ClinVar variation 2015992 (VCV002015992.4), dbSNP rs2087849547, ClinGen allele CA346076033.